The following is an entry in ClinVar:

NM_006218.4(PIK3CA):c.92T>C (p.Ile31Thr)

Gene: PIK3CA (phosphatidylinositol-4,5-bisphosphate 3-kinase catalytic subunit alpha; plus strand). Cytogenetic location: 3q26.32.
Variant type: single nucleotide variant.
Coding change: c.92T>C on transcript NM_006218.4 (MANE Select); coding-DNA position 92, T replaced by C.
Protein change: p.Ile31Thr; replaces isoleucine 31 with threonine.
Molecular consequence: missense variant.
Genome position (GRCh38, 1-based): chr3:179,198,917, T>C. VCF-style: chr3-179198917-T-C. GRCh37 (hg19) VCF-style: chr3-178916705-T-C.
Other names: short protein forms I31T.
Identifiers: ClinVar variation 3932395 (VCV003932395.1).

ClinVar aggregate classification (germline): Uncertain significance (1 of 4 stars; one submission).

Conditions:
Inborn genetic diseases. Identifiers: MedGen C0950123, MeSH D030342.

Submission:

Ambry Genetics
Classification: Uncertain significance for Inborn genetic diseases. Last evaluated: 2025-04-06. Review status: criteria provided, single submitter. Criteria: Ambry Variant Classification Scheme 2023. Collection method: clinical testing. Allele origin: germline.
Comment: The p.I31T variant (also known as c.92T>C), located in coding exon 1 of the PIK3CA gene, results from a T to C substitution at nucleotide position 92. The isoleucine at codon 31 is replaced by threonine, an amino acid with similar properties. This amino acid position is conserved. In addition, this alteration is predicted to be deleterious by in silico analysis. Based on the available evidence, the clinical significance of this variant remains unclear.